The following is an entry in ClinVar:

NM_000815.5(GABRD):c.1294C>G (p.Arg432Gly)

Gene: GABRD (gamma-aminobutyric acid type A receptor subunit delta; plus strand). Cytogenetic location: 1p36.33.
Variant type: single nucleotide variant.
Coding change: c.1294C>G on transcript NM_000815.5 (MANE Select); coding-DNA position 1294, C replaced by G.
Protein change: p.Arg432Gly; replaces arginine 432 with glycine.
Molecular consequence: missense variant.
Genome position (GRCh38, 1-based): chr1:2,030,217, C>G. VCF-style: chr1-2030217-C-G. GRCh37 (hg19) VCF-style: chr1-1961656-C-G.
Other names: short protein forms R432G.
Identifiers: ClinVar variation 999368 (VCV000999368.8), dbSNP rs1002172902, ClinGen allele CA337961031.

ClinVar aggregate classification (germline): Uncertain significance (1 of 4 stars; one submission).

Conditions:
Idiopathic generalized epilepsy. Also called: EIG; Generalised epilepsy. Identifiers: MedGen C0270850, MONDO:0005579, OMIM 600669.

Allele frequency attached by ClinVar (database versions not stated): gnomAD exomes below 0.00001; TOPMed 0.00003.

Submission:

Labcorp Genetics (formerly Invitae), Labcorp
Classification: Uncertain significance for Idiopathic generalized epilepsy. Last evaluated: 2020-04-27. Review status: criteria provided, single submitter. Criteria: Invitae Variant Classification Sherloc (09022015). Collection method: clinical testing. Allele origin: germline.
Comment: This sequence change replaces arginine with glycine at codon 432 of the GABRD protein (p.Arg432Gly). The arginine residue is highly conserved and there is a moderate physicochemical difference between arginine and glycine. This variant is not present in population databases (ExAC no frequency). This variant has not been reported in the literature in individuals with GABRD-related conditions. Algorithms developed to predict the effect of missense changes on protein structure and function are either unavailable or do not agree on the potential impact of this missense change (SIFT: "Deleterious"; PolyPhen-2: "Probably Damaging"; Align-GVGD: "Class C0"). In summary, the available evidence is currently insufficient to determine the role of this variant in disease. Therefore, it has been classified as a Variant of Uncertain Significance.